The following is an entry in ClinVar:

NM_001371623.1(TCOF1):c.2336C>T (p.Ala779Val)

Gene: TCOF1 (treacle ribosome biogenesis factor 1; plus strand). Cytogenetic location: 5q32.
Variant type: single nucleotide variant.
Coding change: c.2336C>T on transcript NM_001371623.1 (MANE Select); coding-DNA position 2336, C replaced by T.
Protein change: p.Ala779Val; replaces alanine 779 with valine.
Molecular consequence: missense variant.
Genome position (GRCh38, 1-based): chr5:150,376,616, C>T. VCF-style: chr5-150376616-C-T. GRCh37 (hg19) VCF-style: chr5-149756179-C-T.
Other names: c.2105C>T, p.Ala702Val (NM_000356.4, NM_001135245.2, NM_001437406.1); c.2336C>T, p.Ala779Val (NM_001008657.3, NM_001135243.2, NM_001135244.2 and 1 more transcripts); short protein forms A702V, A779V.
Identifiers: ClinVar variation 4977429 (VCV004977429.1).

ClinVar aggregate classification (germline): Uncertain significance (1 of 4 stars; one submission).

Conditions:
TCOF1-related disorder. Also called: TCOF1-related condition.

Submission:

PreventionGenetics, part of Exact Sciences
Classification: Uncertain significance for TCOF1-related condition. Last evaluated: 2026-02-27. Review status: criteria provided, single submitter. Criteria: ACMG Guidelines, 2015. Collection method: clinical testing. Allele origin: germline.
Comment: The TCOF1 c.2336C>T variant is predicted to result in the amino acid substitution p.Ala779Val. To our knowledge, this variant has not been reported in the literature. This variant is reported in 0.0024% of alleles in individuals of European (Non-Finnish) descent in gnomAD. At this time, the clinical significance of this variant is uncertain due to the absence of conclusive functional and genetic evidence.